The following is an entry in ClinVar:

ClinVar aggregate classification (germline): Uncertain significance (1 of 4 stars; one submission).

Submission:

Ambry Genetics
Classification: Uncertain significance. Last evaluated: 2022-10-02. Review status: criteria provided, single submitter. Criteria: Ambry Variant Classification Scheme 2023. Collection method: clinical testing. Allele origin: germline.
Comment: The p.S392R variant (also known as c.1174A>C), located in coding exon 9 of the RECQL gene, results from an A to C substitution at nucleotide position 1174. The serine at codon 392 is replaced by arginine, an amino acid with dissimilar properties. This amino acid position is conserved. In addition, this alteration is predicted to be deleterious by in silico analysis. Since supporting evidence is limited at this time, the clinical significance of this alteration remains unclear.

NM_002907.4(RECQL):c.1174A>C (p.Ser392Arg)

Gene: RECQL (RecQ like helicase; minus strand). Cytogenetic location: 12p12.1.
Variant type: single nucleotide variant.
Coding change: c.1174A>C on transcript NM_002907.4 (MANE Select); coding-DNA position 1174, A replaced by C.
Protein change: p.Ser392Arg; replaces serine 392 with arginine.
Molecular consequence: missense variant.
Genome position (GRCh38, 1-based): chr12:21,475,510, T>G on the plus strand (A>C on the coding strand, the complement: RECQL is on the minus strand). VCF-style: chr12-21475510-T-G. GRCh37 (hg19) VCF-style: chr12-21628444-T-G.
Other names: c.1174A>C, p.Ser392Arg (NM_032941.3); short protein forms S392R.
Identifiers: ClinVar variation 1740257 (VCV001740257.2), dbSNP rs2540344583, ClinGen allele CA384119530.